The following is an entry in ClinVar:

NM_020921.4(NIN):c.4408G>T (p.Glu1470Ter)

Gene: NIN (ninein; minus strand). Cytogenetic location: 14q22.1.
Variant type: single nucleotide variant.
Coding change: c.4408G>T on transcript NM_020921.4 (MANE Select); coding-DNA position 4408, G replaced by T.
Protein change: p.Glu1470Ter; replaces glutamic acid 1470 with a stop codon.
Molecular consequence: nonsense. On other transcripts: intron variant (1).
Genome position (GRCh38, 1-based): chr14:50,756,622, C>A on the plus strand (G>T on the coding strand, the complement: NIN is on the minus strand). VCF-style: chr14-50756622-C-A. GRCh37 (hg19) VCF-style: chr14-51223340-C-A.
Other names: c.4408G>T, p.Glu1470Ter (NM_182944.3, NM_182946.2); c.2400-1755G>T (NM_016350.5); short protein forms E1470*.
Identifiers: ClinVar variation 4882949 (VCV004882949.2).

ClinVar aggregate classification (germline): Uncertain significance (1 of 4 stars; one submission).

Submission:

Dasa
Classification: Uncertain significance. Last evaluated: 2025-07-19. Review status: criteria provided, single submitter. Criteria: DASA Assertion Criteria. Collection method: clinical testing. Allele origin: germline.
Comment: NM_020921.4(NIN):c.4408G>T (p.Glu1470*) is a nonsense variant in NIN predicted to introduce a premature termination codon. This variant is absent from population databases. The currently available literature and clinical evidence are not sufficient to establish a definitive association between this variant and the reported condition. Therefore, this variant is classified as a variant of uncertain significance.